The following is an entry in ClinVar:

NM_000146.4(FTL):c.*8C>T

Gene: FTL (ferritin light chain; plus strand). Cytogenetic location: 19q13.33.
Variant type: single nucleotide variant.
Coding change: c.*8C>T on transcript NM_000146.4 (MANE Select); 8 bases downstream of the stop codon, C replaced by T.
Molecular consequence: 3 prime UTR variant.
Genome position (GRCh38, 1-based): chr19:48,966,743, C>T. VCF-style: chr19-48966743-C-T. GRCh37 (hg19) VCF-style: chr19-49470000-C-T.
Identifiers: ClinVar variation 158603 (VCV000158603.10), dbSNP rs373178636, ClinGen allele CA281463.

ClinVar aggregate classification (germline): Conflicting classifications of pathogenicity. Review status: criteria provided, conflicting classifications (1 of 4 stars). 3 submissions from 2 submitters: Uncertain significance (1); Benign (2). Last evaluated 2018-01-12.

Conditions:
Hereditary hyperferritinemia with congenital cataracts. Also called: Hereditary hyperferritinemia cataract syndrome; Bonneau-Beaumont syndrome; HYPERFERRITINEMIA WITH OR WITHOUT CATARACT. Identifiers: Orphanet 163, MedGen C1833213, MONDO:0010952, OMIM 600886.
Neuroferritinopathy (NBIA3). Also called: NEURODEGENERATION WITH BRAIN IRON ACCUMULATION 3; BASAL GANGLIA DISEASE, ADULT-ONSET. Identifiers: Orphanet 157846, MedGen C1853578, MONDO:0011638, OMIM 606159.

Allele frequency attached by ClinVar (database versions not stated): gnomAD 0.00005 and 0.00047; TOPMed 0.00005; gnomAD exomes 0.00097 and 0.00187; 1000 Genomes Project 30x 0.00203; ExAC 0.00212; 1000 Genomes Project 0.00220.

Submissions (3):

Illumina Laboratory Services, Illumina
Classification: Benign for Hereditary hyperferritinemia with congenital cataracts. Last evaluated: 2018-01-12. Review status: criteria provided, single submitter. Criteria: ICSL Variant Classification Criteria 13 December 2019. Collection method: clinical testing. Allele origin: germline.
Comment: This variant was observed in the ICSL laboratory as part of a predisposition screen in an ostensibly healthy population. It had not been previously curated by ICSL or reported in the Human Gene Mutation Database (HGMD: prior to June 1st, 2018), and was therefore a candidate for classification through an automated scoring system. Utilizing variant allele frequency, disease prevalence and penetrance estimates, and inheritance mode, an automated score was calculated to assess if this variant is too frequent to cause the disease. Based on the score and internal cut-off values, a variant classified as benign is not then subjected to further curation. The score for this variant resulted in a classification of benign for this disease.

Illumina Laboratory Services, Illumina
Classification: Benign for Neuroferritinopathy. Last evaluated: 2018-01-12. Review status: criteria provided, single submitter. Criteria: ICSL Variant Classification Criteria 13 December 2019. Collection method: clinical testing. Allele origin: germline.
Comment: the same text as in the submission from Illumina Laboratory Services, Illumina above.

Genetic Services Laboratory, University of Chicago
Classification: Uncertain significance for Neurodegeneration with brain iron accumulation 3. Last evaluated: 2013-02-08. Review status: criteria provided, single submitter. Criteria: ACMG Guidelines, 2007. Collection method: clinical testing. Allele origin: germline. Inheritance: Autosomal dominant inheritance.